The following is an entry in ClinVar:

NM_001046.3(SLC12A2):c.2996T>C (p.Val999Ala)

Gene: SLC12A2 (solute carrier family 12 member 2; plus strand). Cytogenetic location: 5q23.3.
Variant type: single nucleotide variant.
Coding change: c.2996T>C on transcript NM_001046.3 (MANE Select); coding-DNA position 2996, T replaced by C.
Protein change: p.Val999Ala; replaces valine 999 with alanine.
Molecular consequence: missense variant. On other transcripts: non-coding transcript variant (1).
Genome position (GRCh38, 1-based): chr5:128,178,585, T>C. VCF-style: chr5-128178585-T-C. GRCh37 (hg19) VCF-style: chr5-127514277-T-C.
Other names: c.2948T>C, p.Val983Ala (NM_001256461.2); short protein forms V999A, V983A.
Identifiers: ClinVar variation 2888995 (VCV002888995.3), dbSNP rs756954130, ClinGen allele CA3393545.

ClinVar aggregate classification (germline): Uncertain significance (1 of 4 stars; one submission).

Allele frequency attached by ClinVar (database versions not stated): gnomAD exomes below 0.00001; TOPMed below 0.00001; ExAC 0.00003.
gnomAD v4.1: 5 of 1,591,060 alleles (0.00031%); highest among the groups gnomAD compares: Non-Finnish European, 0.00034%; no homozygotes.

Submission:

Labcorp Genetics (formerly Invitae), Labcorp
Classification: Uncertain significance. Last evaluated: 2023-08-22. Review status: criteria provided, single submitter. Criteria: Invitae Variant Classification Sherloc (09022015). Collection method: clinical testing. Allele origin: germline.
Comment: This sequence change replaces valine, which is neutral and non-polar, with alanine, which is neutral and non-polar, at codon 999 of the SLC12A2 protein (p.Val999Ala). This variant is present in population databases (rs756954130, gnomAD 0.002%). This variant has not been reported in the literature in individuals affected with SLC12A2-related conditions. Advanced modeling of protein sequence and biophysical properties (such as structural, functional, and spatial information, amino acid conservation, physicochemical variation, residue mobility, and thermodynamic stability) performed at Invitae indicates that this missense variant is not expected to disrupt SLC12A2 protein function. In summary, the available evidence is currently insufficient to determine the role of this variant in disease. Therefore, it has been classified as a Variant of Uncertain Significance.